The following is an entry in ClinVar:

NM_001160372.4(TRAPPC9):c.3219C>G (p.His1073Gln)

Gene: TRAPPC9 (trafficking protein particle complex subunit 9; minus strand). Cytogenetic location: 8q24.3.
Variant type: single nucleotide variant.
Coding change: c.3219C>G on transcript NM_001160372.4 (MANE Select); coding-DNA position 3219, C replaced by G.
Protein change: p.His1073Gln; replaces histidine 1073 with glutamine.
Molecular consequence: missense variant. On other transcripts: non-coding transcript variant (1).
Genome position (GRCh38, 1-based): chr8:139,732,039, G>C on the plus strand (C>G on the coding strand, the complement: TRAPPC9 is on the minus strand). VCF-style: chr8-139732039-G-C. GRCh37 (hg19) VCF-style: chr8-140744282-G-C.
Other names: c.3192C>G, p.His1064Gln (NM_001321646.2); c.3240C>G, p.His1080Gln (NM_001374682.1); c.3108C>G, p.His1036Gln (NM_001374683.1); c.3075C>G, p.His1025Gln (NM_001374684.1); c.3219C>G, p.His1073Gln (NM_031466.8); short protein forms H1073Q, H1025Q, H1036Q, H1064Q, H1080Q.
Identifiers: ClinVar variation 1450465 (VCV001450465.6), dbSNP rs1393391550, ClinGen allele CA372732786.
Genomic context (GRCh38, chr8:139,732,039, plus strand): 5'-CGCGTCGAGGTAGAAGGTGCTGGAGCCCACGAAGGAGACGGTGTCGTGCAGGTCGTAGTT[G>C]TGCACGCCGTTCTGGTGGTCCTGGAAGGGGACCACAGTGAGGGCGAAGGGCCCTACGCTG-3'
Protein context (NP_001153844.1, residues 1063-1083): VPFQDHQNGV[His1073Gln]NYDLHDTVSF

ClinVar aggregate classification (germline): Uncertain significance (1 of 4 stars; one submission).

Allele frequency attached by ClinVar (database versions not stated): TOPMed below 0.00001.
gnomAD v4.1: 2 of 1,604,618 alleles (0.00012%); highest among the groups gnomAD compares: Non-Finnish European, 0.00017%; no homozygotes.

Submission:

Labcorp Genetics (formerly Invitae), Labcorp
Classification: Uncertain significance. Last evaluated: 2022-11-08. Review status: criteria provided, single submitter. Criteria: Invitae Variant Classification Sherloc (09022015). Collection method: clinical testing. Allele origin: germline.
Comment: In summary, the available evidence is currently insufficient to determine the role of this variant in disease. Therefore, it has been classified as a Variant of Uncertain Significance. Algorithms developed to predict the effect of missense changes on protein structure and function are either unavailable or do not agree on the potential impact of this missense change (SIFT: "Not Available"; PolyPhen-2: "Benign"; Align-GVGD: "Not Available"). ClinVar contains an entry for this variant (Variation ID: 1450465). This variant has not been reported in the literature in individuals affected with TRAPPC9-related conditions. This variant is not present in population databases (gnomAD no frequency). This sequence change replaces histidine with glutamine at codon 1171 of the TRAPPC9 protein (p.His1171Gln). The histidine residue is weakly conserved and there is a small physicochemical difference between histidine and glutamine.